The following is an entry in ClinVar:

ClinVar aggregate classification (germline): Uncertain significance. Review status: criteria provided, multiple submitters, no conflicts (2 of 4 stars). 2 submissions from 2 submitters: Uncertain significance (2). Last evaluated 2024-10-26.

Conditions:
NDUFV1-related disorder. Also called: NDUFV1-related disorders; NDUFV1-related condition.

Allele frequency attached by ClinVar (database versions not stated): gnomAD exomes below 0.00001.
gnomAD v4.1: 3 of 1,613,774 alleles (0.00019%); highest among the groups gnomAD compares: African/African-American, 0.0013%; no homozygotes.

Submissions (2):

Labcorp Genetics (formerly Invitae), Labcorp
Classification: Uncertain significance. Last evaluated: 2024-10-26. Review status: criteria provided, single submitter. Criteria: Invitae Variant Classification Sherloc (09022015). Collection method: clinical testing. Allele origin: germline.
Comment: This sequence change replaces histidine, which is basic and polar, with arginine, which is basic and polar, at codon 422 of the NDUFV1 protein (p.His422Arg). This variant is not present in population databases (gnomAD no frequency). This variant has not been reported in the literature in individuals affected with NDUFV1-related conditions. ClinVar contains an entry for this variant (Variation ID: 2116309). Invitae Evidence Modeling of protein sequence and biophysical properties (such as structural, functional, and spatial information, amino acid conservation, physicochemical variation, residue mobility, and thermodynamic stability) indicates that this missense variant is not expected to disrupt NDUFV1 protein function with a negative predictive value of 95%. In summary, the available evidence is currently insufficient to determine the role of this variant in disease. Therefore, it has been classified as a Variant of Uncertain Significance.

PreventionGenetics, part of Exact Sciences
Classification: Uncertain significance for NDUFV1-related condition. Last evaluated: 2023-08-11. Review status: criteria provided, single submitter. Criteria: ACMG Guidelines, 2015. Collection method: clinical testing. Allele origin: germline.
Comment: The NDUFV1 c.1265A>G variant is predicted to result in the amino acid substitution p.His422Arg. To our knowledge, this variant has not been reported in the literature or in a large population database, indicating this variant is rare. At this time, the clinical significance of this variant is uncertain due to the absence of conclusive functional and genetic evidence.

NM_007103.4(NDUFV1):c.1265A>G (p.His422Arg)

Genes: NDUFV1 (NADH:ubiquinone oxidoreductase core subunit V1; plus strand), LOC126861242 (CDK7 strongly-dependent group 2 enhancer GRCh37_chr11:67379204-67380403; plus strand). Cytogenetic location: 11q13.2.
Variant type: single nucleotide variant.
Coding change: c.1265A>G on transcript NM_007103.4 (MANE Select); coding-DNA position 1265, A replaced by G.
Protein change: p.His422Arg; replaces histidine 422 with arginine.
Molecular consequence: missense variant.
Genome position (GRCh38, 1-based): chr11:67,612,222, A>G. VCF-style: chr11-67612222-A-G. GRCh37 (hg19) VCF-style: chr11-67379693-A-G.
Other names: c.1265A>G (NM_007103.3); c.1238A>G, p.His413Arg (NM_001166102.2); short protein forms H422R, H413R.
Identifiers: ClinVar variation 2116309 (VCV002116309.5), dbSNP rs2495726935, ClinGen allele CA381542612.